The following is an entry in ClinVar:

ClinVar aggregate classification (germline): Pathogenic (1 of 4 stars; one submission).

Conditions:
Wiskott-Aldrich syndrome (WAS). Also called: ALDRICH SYNDROME; IMMUNODEFICIENCY 2; Wiskott-aldrich syndrome, somatic; WISKOTT-ALDRICH SYNDROME 1. Identifiers: Orphanet 906, MedGen C0043194, MONDO:0010518, OMIM 301000.

Submission:

Women's Health and Genetics/Laboratory Corporation of America, LabCorp
Classification: Pathogenic for Wiskott-Aldrich syndrome. Last evaluated: 2025-01-02. Review status: criteria provided, single submitter. Criteria: LabCorp Variant Classification Summary - May 2015. Collection method: clinical testing. Allele origin: germline.
Comment: Variant summary: WAS c.330dupC (p.Thr111HisfsX11) results in a premature termination codon, predicted to cause a truncation of the encoded protein or absence of the protein due to nonsense mediated decay, which are commonly known mechanisms for disease. The variant was absent in 163117 control chromosomes. c.330dupC has been reported in the literature in individuals affected with Wiskott-Aldrich Syndrome (example: Giliani_1999). To our knowledge, no experimental evidence demonstrating an impact on protein function has been reported. The following publication has been ascertained in the context of this evaluation (PMID: 10073904). No submitters have cited clinical-significance assessments for this variant to ClinVar. Based on the evidence outlined above, the variant was classified as pathogenic.

Literature cited by the submitters: PubMed 10073904.

NM_000377.3(WAS):c.330dup (p.Thr111fs)

Gene: WAS (WASP actin nucleation promoting factor; plus strand). Cytogenetic location: Xp11.23.
Variant type: Duplication.
Coding change: c.330dup on transcript NM_000377.3 (MANE Select); coding-DNA position 330, one base duplicated (C; older notation c.330dupC).
Protein change: p.Thr111fs; shifts the reading frame from threonine 111.
Molecular consequence: frameshift variant.
Genome position (GRCh38, 1-based): chrX:48,685,603, C duplicated; the last of 5 consecutive C bases (chrX:48,685,599-48,685,603); duplicating any one gives the same sequence. VCF-style (leftmost placement, unchanged base first): chrX-48685598-A-AC. GRCh37 (hg19) VCF-style: chrX-48543987-A-AC.
Other names: c.330dupC (NM_000377.3); short protein forms T111fs.
Identifiers: ClinVar variation 3769317 (VCV003769317.2).
Genomic context (GRCh38, chrX:48,685,598, plus strand): 5'-CCTCTCCAGGCTGGTCGGCTGCTCTGGGAACAGGAGCTGTACTCACAGCTTGTCTACTCC[A>AC]CCCCCACCCCCTTCTTCCACACCTTCGCTGGAGATGTAAGTGATCAACCAGCCCTCGGGC-3'